The following is an entry in ClinVar:

NM_003573.2(LTBP4):c.17-2227C>T

Genes: LTBP4 (latent transforming growth factor beta binding protein 4; plus strand), LOC113939973 (Sharpr-MPRA regulatory region 6117; plus strand). Cytogenetic location: 19q13.2.
Variant type: single nucleotide variant.
Coding change: c.17-2227C>T on transcript NM_003573.2; 2227 bases into the intron before coding-DNA position 17, C replaced by T.
Molecular consequence: intron variant.
Genome position (GRCh38, 1-based): chr19:40,596,970, C>T. VCF-style: chr19-40596970-C-T. GRCh37 (hg19) VCF-style: chr19-41102876-C-T.
Identifiers: ClinVar variation 668714 (VCV000668714.3), dbSNP rs73047963, ClinGen allele CA16572383.
Genomic context (GRCh38, chr19:40,596,970, plus strand): 5'-AGCACCCCTACGCCTGGGACCTCTGTTCCACGAGAAGGTTCACGGAGCCAGTATCCGAGT[C>T]CTAATTTCCCCCCACCGCGTGGGGAACTCGAGGTCCCCCGCGCCCCTAGTCCGGCACCTG-3'

ClinVar aggregate classification (germline): Benign (1 of 4 stars; one submission).

Allele frequency attached by ClinVar (database versions not stated): TOPMed 0.17312; gnomAD 0.17715 and 0.18124; 1000 Genomes Project 0.19968; 1000 Genomes Project 30x 0.19535.

Submission:

GeneDx
Classification: Benign. Last evaluated: 2018-06-19. Review status: criteria provided, single submitter. Criteria: GeneDx Variant Classification (06012015). Collection method: clinical testing. Allele origin: germline. Affected: yes.
Comment: This variant is considered likely benign or benign based on one or more of the following criteria: it is a conservative change, it occurs at a poorly conserved position in the protein, it is predicted to be benign by multiple in silico algorithms, and/or has population frequency not consistent with disease.